The following is an entry in ClinVar:

NM_000492.4(CFTR):c.2171T>C (p.Ile724Thr)

Gene: CFTR (CF transmembrane conductance regulator; plus strand). Cytogenetic location: 7q31.2.
Variant type: single nucleotide variant.
Coding change: c.2171T>C on transcript NM_000492.4 (MANE Select); coding-DNA position 2171, T replaced by C.
Protein change: p.Ile724Thr; replaces isoleucine 724 with threonine.
Molecular consequence: missense variant.
Genome position (GRCh38, 1-based): chr7:117,592,338, T>C. VCF-style: chr7-117592338-T-C. GRCh37 (hg19) VCF-style: chr7-117232392-T-C.
Other names: short protein forms I724T.
Identifiers: ClinVar variation 1787117 (VCV001787117.2), dbSNP rs2485110103, ClinGen allele CA368980206.

ClinVar aggregate classification (germline): Uncertain significance (1 of 4 stars; one submission).

Conditions:
Cystic fibrosis (CF). Also called: MUCOVISCIDOSIS. Identifiers: Orphanet 586, MedGen C0010674, MONDO:0009061, OMIM 219700. Disease mechanism: loss of function.

Allele frequency attached by ClinVar (database versions not stated): gnomAD exomes below 0.00001.
gnomAD v4.1: 1 of 1,614,198 alleles (0.000062%); highest among the groups gnomAD compares: Non-Finnish European, 0.000085%; no homozygotes.

Submission:

Ambry Genetics
Classification: Uncertain significance for Cystic fibrosis. Last evaluated: 2022-10-27. Review status: criteria provided, single submitter. Criteria: Ambry Variant Classification Scheme 2023. Collection method: clinical testing. Allele origin: germline.
Comment: The p.I724T variant (also known as c.2171T>C), located in coding exon 14 of the CFTR gene, results from a T to C substitution at nucleotide position 2171. The isoleucine at codon 724 is replaced by threonine, an amino acid with similar properties. This amino acid position is conserved. In addition, the in silico prediction for this alteration is inconclusive. Since supporting evidence is limited at this time, the clinical significance of this alteration remains unclear.